The following is an entry in ClinVar:

ClinVar aggregate classification (germline): Pathogenic (1 of 4 stars; one submission).

Conditions:
Hereditary cancer-predisposing syndrome. Also called: Tumor predisposition; Hereditary Cancer Syndrome; Hereditary neoplastic syndrome; Neoplastic Syndromes, Hereditary. Identifiers: Orphanet 140162, MedGen C0027672, MeSH D009386, MONDO:0015356.

Submission:

Ambry Genetics
Classification: Pathogenic for Hereditary cancer-predisposing syndrome. Last evaluated: 2024-05-24. Review status: criteria provided, single submitter. Criteria: Ambry Variant Classification Scheme 2023. Collection method: clinical testing. Allele origin: germline.
Comment: The p.E546* pathogenic mutation (also known as c.1636G>T), located in coding exon 11 of the MSH3 gene, results from a G to T substitution at nucleotide position 1636. This changes the amino acid from a glutamic acid to a stop codon within coding exon 11. This variant is considered to be rare based on population cohorts in the Genome Aggregation Database (gnomAD). This alteration is expected to result in loss of function by premature protein truncation or nonsense-mediated mRNA decay. As such, this alteration is interpreted as a disease-causing mutation.

NM_002439.5(MSH3):c.1636G>T (p.Glu546Ter)

Gene: MSH3 (mutS homolog 3; plus strand). Cytogenetic location: 5q14.1.
Variant type: single nucleotide variant.
Coding change: c.1636G>T on transcript NM_002439.5 (MANE Select); coding-DNA position 1636, G replaced by T.
Protein change: p.Glu546Ter; replaces glutamic acid 546 with a stop codon.
Molecular consequence: nonsense.
Genome position (GRCh38, 1-based): chr5:80,741,531, G>T. VCF-style: chr5-80741531-G-T. GRCh37 (hg19) VCF-style: chr5-80037350-G-T.
Other names: short protein forms E546*.
Identifiers: ClinVar variation 3296287 (VCV003296287.1).
Genomic context (GRCh38, chr5:80,741,531, plus strand): 5'-AAACAGCTATCAAGTAAAATGGAATTTATGACAATTAATGGAACAACATTAAGGAATCTG[G>T]AAATCCTACAGAATCAGGTCAGGCAAATACAAGGGCTAGTTGATTATAAATCGTTTTGGG-3'